The following is an entry in ClinVar:

NM_000152.5(GAA):c.1968G>C (p.Glu656Asp)

Gene: GAA (alpha glucosidase; plus strand). Cytogenetic location: 17q25.3.
Variant type: single nucleotide variant.
Coding change: c.1968G>C on transcript NM_000152.5 (MANE Select); coding-DNA position 1968, G replaced by C.
Protein change: p.Glu656Asp; replaces glutamic acid 656 with aspartic acid.
Molecular consequence: missense variant.
Genome position (GRCh38, 1-based): chr17:80,112,955, G>C. VCF-style: chr17-80112955-G-C. GRCh37 (hg19) VCF-style: chr17-78086754-G-C.
Other names: c.1968G>C, p.Glu656Asp (NM_001079803.3, NM_001079804.3, NM_001406741.1 and 1 more transcripts); short protein forms E656D.
Identifiers: ClinVar variation 2117817 (VCV002117817.4), dbSNP rs2510384015, ClinGen allele CA401369976.

ClinVar aggregate classification (germline): Uncertain significance (1 of 4 stars; one submission).

Conditions:
Glycogen storage disease, type II (IOPD). Also called: Glycogen storage disease type 2; Acid maltase deficiency disease; Aglucosidase alfa; Deficiency of alpha-glucosidase; Deficiency of lysosomal alpha-glucosidase; Glucosidase acid-1,4-alpha deficiency. Identifiers: Orphanet 365, MedGen C0017921, MONDO:0009290, OMIM 232300.

Submission:

Labcorp Genetics (formerly Invitae), Labcorp
Classification: Uncertain significance for Glycogen storage disease, type II. Last evaluated: 2023-12-11. Review status: criteria provided, single submitter. Criteria: Invitae Variant Classification Sherloc (09022015). Collection method: clinical testing. Allele origin: germline.
Comment: This sequence change replaces glutamic acid, which is acidic and polar, with aspartic acid, which is acidic and polar, at codon 656 of the GAA protein (p.Glu656Asp). This variant is not present in population databases (gnomAD no frequency). This variant has not been reported in the literature in individuals affected with GAA-related conditions. ClinVar contains an entry for this variant (Variation ID: 2117817). Advanced modeling of protein sequence and biophysical properties (such as structural, functional, and spatial information, amino acid conservation, physicochemical variation, residue mobility, and thermodynamic stability) performed at Invitae indicates that this missense variant is expected to disrupt GAA protein function with a positive predictive value of 95%. In summary, the available evidence is currently insufficient to determine the role of this variant in disease. Therefore, it has been classified as a Variant of Uncertain Significance.